The following is an entry in ClinVar:

NM_001378615.1(CC2D2A):c.523del (p.Ile175fs)

Genes: CC2D2A (coiled-coil and C2 domain containing 2A; plus strand), FBXL5 (F-box and leucine rich repeat protein 5; minus strand). Cytogenetic location: 4p15.32.
Variant type: Deletion.
Coding change: c.523del on transcript NM_001378615.1 (MANE Select); coding-DNA position 523, one base deleted (A; older notation c.523delA).
Protein change: p.Ile175fs; shifts the reading frame from isoleucine 175.
Molecular consequence: frameshift variant.
Genome position (GRCh38, 1-based): chr4:15,510,223, A deleted; the last of 5 consecutive A bases (chr4:15,510,219-15,510,223); deleting any one gives the same sequence. VCF-style (leftmost placement, unchanged base first): chr4-15510218-GA-G. GRCh37 (hg19) VCF-style: chr4-15511841-GA-G.
Other names: c.523delA (NM_001080522.2); c.523del, p.Ile175fs (NM_001080522.2); c.376del, p.Ile126fs (NM_001378617.1); short protein forms I175fs, I126fs.
Identifiers: ClinVar variation 2950561 (VCV002950561.5), dbSNP rs1338343514, ClinGen allele CA549889139.
Genomic context (GRCh38, chr4:15,510,218, plus strand): 5'-GGACTCAACAAGAAGTTGACTCCCAAAGTTACTCAAGAGTCAAGTTCCATGATTCTGCAC[GA>G]AAAATCAAGCCTAAACCCCAGGTGAGAAATCTTGTTTTTTAAAATCATTTGTTTGTTTGT-3'

ClinVar aggregate classification (germline): Pathogenic. Review status: criteria provided, multiple submitters, no conflicts (2 of 4 stars). 3 submissions from 3 submitters: Pathogenic (3). Last evaluated 2025-11-05.

Conditions:
Joubert syndrome 9 (JBTS9). Identifiers: Orphanet 2318, MedGen C2676788, MONDO:0012849, OMIM 612285.
Joubert syndrome. Also called: JOUBERT-BOLTSHAUSER SYNDROME; Familial aplasia of the vermis. Identifiers: Orphanet 475, MedGen C5979921, MONDO:0018772.
Meckel-Gruber syndrome. Also called: DYSENCEPHALIA SPLANCHNOCYSTICA; GRUBER SYNDROME; Dysencephalia splachnocystica. Identifiers: Orphanet 564, MedGen C0265215, MONDO:0018921.
CC2D2A-related disorder. Also called: CC2D2A-related condition; CC2D2A-related disorders. Identifiers: MedGen CN239313.

Submissions (3):

3billion
Classification: Pathogenic for Joubert syndrome 9. Last evaluated: 2025-11-05. Review status: criteria provided, single submitter. Criteria: ACMG Guidelines, 2015. Collection method: clinical testing. Allele origin: germline. Affected: yes.
Comment: The variant is observed at an extremely low frequency in the gnomAD v4.1.0 dataset (total allele frequency: <0.001%). Predicted Consequence/Location: Frameshift: predicted to result in a loss or disruption of normal protein function through nonsense-mediated decay (NMD) or protein truncation. Multiple pathogenic variants are reported downstream of the variant. The variant has been reported at least twice as pathogenic without evidence for the classification (ClinVar ID: VCV002950561). Therefore, this variant is classified as Pathogenic according to the recommendation of ACMG/AMP guideline.

Women's Health and Genetics/Laboratory Corporation of America, LabCorp
Classification: Pathogenic for CC2D2A-Related Disorders. Last evaluated: 2024-05-02. Review status: criteria provided, single submitter. Criteria: LabCorp Variant Classification Summary - May 2015. Collection method: clinical testing. Allele origin: germline.
Comment: Variant summary: CC2D2A c.523delA (p.Ile175SerfsX83) results in a premature termination codon, predicted to cause absence of the protein due to nonsense mediated decay, which is a commonly known mechanism for disease. The variant allele was found at a frequency of 4.1e-06 in 243636 control chromosomes (gnomAD). To our knowledge, no occurrence of c.523delA in individuals affected with CC2D2A-Related Disorders and no experimental evidence demonstrating its impact on protein function have been reported. ClinVar contains an entry for this variant (Variation ID: 2950561). Based on the evidence outlined above, the variant was classified as pathogenic.

Labcorp Genetics (formerly Invitae), Labcorp
Classification: Pathogenic for Joubert syndrome; Meckel-Gruber syndrome. Last evaluated: 2023-11-10. Review status: criteria provided, single submitter. Criteria: Invitae Variant Classification Sherloc (09022015). Collection method: clinical testing. Allele origin: germline.
Comment: This sequence change creates a premature translational stop signal (p.Ile175Serfs*83) in the CC2D2A gene. It is expected to result in an absent or disrupted protein product. Loss-of-function variants in CC2D2A are known to be pathogenic (PMID: 19777577). This variant is present in population databases (no rsID available, gnomAD 0.0009%). This variant has not been reported in the literature in individuals affected with CC2D2A-related conditions. For these reasons, this variant has been classified as Pathogenic.

Literature cited by the submitters: PubMed 19777577 (cited by Labcorp Genetics (formerly Invitae), Labcorp).